The following is an entry in ClinVar:

ClinVar aggregate classification (germline): Uncertain significance (1 of 4 stars; one submission).

Allele frequency attached by ClinVar (database versions not stated): ExAC 0.00002; gnomAD 0.00002; TOPMed 0.00002.
gnomAD v4.1: 48 of 1,614,054 alleles (0.003%); highest among the groups gnomAD compares: East Asian, 0.0045%; no homozygotes.

Submission:

Labcorp Genetics (formerly Invitae), Labcorp
Classification: Uncertain significance. Last evaluated: 2024-10-28. Review status: criteria provided, single submitter. Criteria: Invitae Variant Classification Sherloc (09022015). Collection method: clinical testing. Allele origin: germline.
Comment: This sequence change replaces valine, which is neutral and non-polar, with isoleucine, which is neutral and non-polar, at codon 1426 of the TCF20 protein (p.Val1426Ile). This variant is present in population databases (rs774172466, gnomAD 0.004%). This variant has not been reported in the literature in individuals affected with TCF20-related conditions. ClinVar contains an entry for this variant (Variation ID: 2172082). An algorithm developed to predict the effect of missense changes on protein structure and function outputs the following: PolyPhen-2: "Benign". The isoleucine amino acid residue is found in multiple mammalian species, which suggests that this missense change does not adversely affect protein function. In summary, the available evidence is currently insufficient to determine the role of this variant in disease. Therefore, it has been classified as a Variant of Uncertain Significance.

NM_001378418.1(TCF20):c.4276G>A (p.Val1426Ile)

Gene: TCF20 (transcription factor 20; minus strand). Cytogenetic location: 22q13.2.
Variant type: single nucleotide variant.
Coding change: c.4276G>A on transcript NM_001378418.1 (MANE Select); coding-DNA position 4276, G replaced by A.
Protein change: p.Val1426Ile; replaces valine 1426 with isoleucine.
Molecular consequence: missense variant.
Genome position (GRCh38, 1-based): chr22:42,211,030, C>T on the plus strand (G>A on the coding strand, the complement: TCF20 is on the minus strand). VCF-style: chr22-42211030-C-T. GRCh37 (hg19) VCF-style: chr22-42607036-C-T.
Other names: c.4276G>A, p.Val1426Ile (NM_005650.4, NM_181492.3); short protein forms V1426I.
Identifiers: ClinVar variation 2172082 (VCV002172082.4), dbSNP rs774172466, ClinGen allele CA10266677.